The following is an entry in ClinVar:

NM_014629.4(ARHGEF10):c.2489-3C>T

Gene: ARHGEF10 (Rho guanine nucleotide exchange factor 10; plus strand). Cytogenetic location: 8p23.3.
Variant type: single nucleotide variant.
Coding change: c.2489-3C>T on transcript NM_014629.4 (MANE Select); 3 bases into the intron before coding-DNA position 2489, C replaced by T.
Molecular consequence: intron variant.
Genome position (GRCh38, 1-based): chr8:1,925,280, C>T. VCF-style: chr8-1925280-C-T. GRCh37 (hg19) VCF-style: chr8-1873446-C-T.
Other names: c.2372-3C>T (NM_001438092.1, NM_001438093.1); c.2492-3C>T (NM_001438091.1); c.2375-3C>T (NM_001308152.2, NM_001438094.1); c.2489-3C>T (NM_001308153.3).
Identifiers: ClinVar variation 1409316 (VCV001409316.6), dbSNP rs202141835, ClinGen allele CA4600910.

ClinVar aggregate classification (germline): Uncertain significance (1 of 4 stars; one submission).

Allele frequency attached by ClinVar (database versions not stated): gnomAD exomes 0.00004 and 0.00007; ExAC 0.00009; ESP Exome Variant Server 0.00015; 1000 Genomes Project 30x 0.00016; 1000 Genomes Project 0.00020; gnomAD 0.00048 and 0.00053; TOPMed 0.00053.
gnomAD v4.1: 131 of 1,614,104 alleles (0.0081%); highest among the groups gnomAD compares: African/African-American, 0.14%; 1 homozygote.

Submission:

Labcorp Genetics (formerly Invitae), Labcorp
Classification: Uncertain significance. Last evaluated: 2025-04-08. Review status: criteria provided, single submitter. Criteria: Invitae Variant Classification Sherloc (09022015). Collection method: clinical testing. Allele origin: germline.
Comment: This sequence change falls in intron 21 of the ARHGEF10 gene. It does not directly change the encoded amino acid sequence of the ARHGEF10 protein. It affects a nucleotide within the consensus splice site. This variant is present in population databases (rs202141835, gnomAD 0.1%), and has an allele count higher than expected for a pathogenic variant. This variant has not been reported in the literature in individuals affected with ARHGEF10-related conditions. ClinVar contains an entry for this variant (Variation ID: 1409316). Variants that disrupt the consensus splice site are a relatively common cause of aberrant splicing (PMID: 17576681, 9536098). Algorithms developed to predict the effect of sequence changes on RNA splicing suggest that this variant is not likely to affect RNA splicing. In summary, the available evidence is currently insufficient to determine the role of this variant in disease. Therefore, it has been classified as a Variant of Uncertain Significance.

Literature cited by the submitters: PubMed 17576681; PubMed 9536098.